The following is an entry in ClinVar:

NM_172107.4(KCNQ2):c.2068G>A (p.Val690Met)

Gene: KCNQ2 (potassium voltage-gated channel subfamily Q member 2; minus strand). Cytogenetic location: 20q13.33.
Variant type: single nucleotide variant.
Coding change: c.2068G>A on transcript NM_172107.4 (MANE Select); coding-DNA position 2068, G replaced by A.
Protein change: p.Val690Met; replaces valine 690 with methionine.
Molecular consequence: missense variant.
Genome position (GRCh38, 1-based): chr20:63,407,195, C>T on the plus strand (G>A on the coding strand, the complement: KCNQ2 is on the minus strand). VCF-style: chr20-63407195-C-T. GRCh37 (hg19) VCF-style: chr20-62038548-C-T.
Other names: c.1984G>A, p.Val662Met (NM_004518.6); c.2014G>A, p.Val672Met (NM_172106.3); c.1975G>A, p.Val659Met (NM_172108.5); short protein forms V690M, V659M, V662M, V672M.
Identifiers: ClinVar variation 546903 (VCV000546903.51), dbSNP rs373902907, ClinGen allele CA9958158.
Genomic context (GRCh38, chr20:63,407,195, plus strand): 5'-CAGGGGGCGCGGCCGGGGGCGCCGAGAAGTTCTTCTGGCCCGTGGAGCTGCTGGAGCGCA[C>T]GATCTTGACAATGCAGCCGTGCCTGTCGACATGCTCCCGGCTGTCTTCCGGGCTGTGGTA-3'
Protein context (NP_742105.1, residues 680-700): VDRHGCIVKI[Val690Met]RSSSSTGQKN

ClinVar aggregate classification (germline): Uncertain significance. Review status: criteria provided, multiple submitters, no conflicts (2 of 4 stars). 2 submissions from 2 submitters: Uncertain significance (2). Last evaluated 2024-06-07.

Conditions:
Early-infantile DEE. Also called: Early infantile epileptic encephalopathy; Ohtahara syndrome; Early infantile epileptic encephalopathy with suppression bursts. Identifiers: Orphanet 1934, MedGen C0393706, MONDO:0800491.

Allele frequency attached by ClinVar (database versions not stated): gnomAD 0.00001; gnomAD exomes 0.00001; ExAC 0.00002; ESP Exome Variant Server 0.00008.
gnomAD v4.1: 17 of 1,605,936 alleles (0.0011%); highest among the groups gnomAD compares: South Asian, 0.013%; no homozygotes.

Submissions (2):

Labcorp Genetics (formerly Invitae), Labcorp
Classification: Uncertain significance for Early-infantile DEE. Last evaluated: 2024-06-07. Review status: criteria provided, single submitter. Criteria: Invitae Variant Classification Sherloc (09022015). Collection method: clinical testing. Allele origin: germline.
Comment: This sequence change replaces valine, which is neutral and non-polar, with methionine, which is neutral and non-polar, at codon 690 of the KCNQ2 protein (p.Val690Met). The frequency data for this variant in the population databases is considered unreliable, as metrics indicate poor data quality at this position in the gnomAD database. This variant has not been reported in the literature in individuals affected with KCNQ2-related conditions. ClinVar contains an entry for this variant (Variation ID: 546903). An algorithm developed to predict the effect of missense changes on protein structure and function (PolyPhen-2) suggests that this variant is likely to be tolerated. In summary, the available evidence is currently insufficient to determine the role of this variant in disease. Therefore, it has been classified as a Variant of Uncertain Significance.

CeGaT Center for Human Genetics Tuebingen
Classification: Uncertain significance. Last evaluated: 2017-11-01. Review status: criteria provided, single submitter. Criteria: CeGaT Center For Human Genetics Tuebingen Variant Classification Criteria Version 2. Collection method: clinical testing. Allele origin: germline. Affected: yes. Observed: 1 variant allele.